The following is an entry in ClinVar:

NM_003105.6(SORL1):c.2228C>T (p.Ala743Val)

Gene: SORL1 (sortilin related receptor 1; plus strand). Cytogenetic location: 11q24.1.
Variant type: single nucleotide variant.
Coding change: c.2228C>T on transcript NM_003105.6 (MANE Select); coding-DNA position 2228, C replaced by T.
Protein change: p.Ala743Val; replaces alanine 743 with valine.
Molecular consequence: missense variant.
Genome position (GRCh38, 1-based): chr11:121,550,632, C>T. VCF-style: chr11-121550632-C-T. GRCh37 (hg19) VCF-style: chr11-121421341-C-T.
Other names: short protein forms A743V.
Identifiers: ClinVar variation 1477686 (VCV001477686.9), dbSNP rs373077929, ClinGen allele CA6328876.

ClinVar aggregate classification (germline): Uncertain significance (1 of 4 stars; one submission).

Allele frequency attached by ClinVar (database versions not stated): gnomAD exomes 0.00006; ExAC 0.00008; ESP Exome Variant Server 0.00008; TOPMed 0.00009; gnomAD 0.00010 and 0.00011.
gnomAD v4.1: 147 of 1,613,916 alleles (0.0091%); highest among the groups gnomAD compares: African/African-American, 0.013%; no homozygotes.

Submissions (2):

Labcorp Genetics (formerly Invitae), Labcorp
Classification: Uncertain significance. Last evaluated: 2023-08-03. Review status: criteria provided, single submitter. Criteria: Invitae Variant Classification Sherloc (09022015). Collection method: clinical testing. Allele origin: germline.
Comment: In summary, the available evidence is currently insufficient to determine the role of this variant in disease. Therefore, it has been classified as a Variant of Uncertain Significance. Algorithms developed to predict the effect of missense changes on protein structure and function output the following: SIFT: "Not Available"; PolyPhen-2: "Benign"; Align-GVGD: "Not Available". The valine amino acid residue is found in multiple mammalian species, which suggests that this missense change does not adversely affect protein function. ClinVar contains an entry for this variant (Variation ID: 1477686). This variant has not been reported in the literature in individuals affected with SORL1-related conditions. This variant is present in population databases (rs373077929, gnomAD 0.009%). This sequence change replaces alanine, which is neutral and non-polar, with valine, which is neutral and non-polar, at codon 743 of the SORL1 protein (p.Ala743Val).

Dr. Peter K. Rogan Lab, Western University
No classification provided (evidence only). Condition: Familial cancer of breast. Review status: no classification provided. Collection method: in vitro. Allele origin: not applicable. Functional consequence: retained intron. Not counted in ClinVar's aggregate classification.